The following is an entry in ClinVar:

NM_032383.5(HPS3):c.616G>T (p.Val206Phe)

Gene: HPS3 (HPS3 biogenesis of lysosomal organelles complex 2 subunit 1; plus strand). Cytogenetic location: 3q24.
Variant type: single nucleotide variant.
Coding change: c.616G>T on transcript NM_032383.5 (MANE Select); coding-DNA position 616, G replaced by T.
Protein change: p.Val206Phe; replaces valine 206 with phenylalanine.
Molecular consequence: missense variant. On other transcripts: intron variant (1).
Genome position (GRCh38, 1-based): chr3:149,140,402, G>T. VCF-style: chr3-149140402-G-T. GRCh37 (hg19) VCF-style: chr3-148858189-G-T.
Other names: c.218-615G>T (NM_001308258.2); c.616G>T (NM_032383.4); short protein forms V206F.
Identifiers: ClinVar variation 1372410 (VCV001372410.4), dbSNP rs374760824, ClinGen allele CA2659842.

ClinVar aggregate classification (germline): Uncertain significance. Review status: criteria provided, single submitter (1 of 4 stars). 2 submissions from 2 submitters: Uncertain significance (1). 1 of the submissions does not count toward it. Last evaluated 2022-07-15.

Conditions:
Hermansky-Pudlak syndrome (HPS). Also called: ALBINISM WITH HEMORRHAGIC DIATHESIS AND PIGMENTED RETICULOENDOTHELIAL CELLS. Identifiers: Orphanet 79430, MedGen C0079504, MONDO:0019312.

Allele frequency attached by ClinVar (database versions not stated): gnomAD exomes below 0.00001; ExAC 0.00001; TOPMed 0.00001; ESP Exome Variant Server 0.00008; gnomAD 0.00001.

Submissions (2):

Labcorp Genetics (formerly Invitae), Labcorp
Classification: Uncertain significance. Last evaluated: 2022-07-15. Review status: criteria provided, single submitter. Criteria: Invitae Variant Classification Sherloc (09022015). Collection method: clinical testing. Allele origin: germline.
Comment: This sequence change replaces valine, which is neutral and non-polar, with phenylalanine, which is neutral and non-polar, at codon 206 of the HPS3 protein (p.Val206Phe). This variant is present in population databases (rs374760824, gnomAD 0.0009%). This variant has not been reported in the literature in individuals affected with HPS3-related conditions. ClinVar contains an entry for this variant (Variation ID: 1372410). Algorithms developed to predict the effect of missense changes on protein structure and function are either unavailable or do not agree on the potential impact of this missense change (SIFT: "Deleterious"; PolyPhen-2: "Benign"; Align-GVGD: "Class C0"). In summary, the available evidence is currently insufficient to determine the role of this variant in disease. Therefore, it has been classified as a Variant of Uncertain Significance.

Natera, Inc.
Classification: Uncertain significance for Hermansky-Pudlak syndrome. Last evaluated: 2025-04-10. Review status: no assertion criteria provided. Collection method: clinical testing. Allele origin: germline. Not counted in ClinVar's aggregate classification.